The following is an entry in ClinVar:

NC_000005.9:g.(?_161520814)_(161580374_?)del

Gene: GABRG2 (gamma-aminobutyric acid type A receptor subunit gamma2; plus strand). Cytogenetic location: 5q34.
Variant type: Deletion.
Identifiers: ClinVar variation 1457679 (VCV001457679.6).

ClinVar aggregate classification (germline): Pathogenic (1 of 4 stars; one submission).

Conditions:
EPILEPSY, CHILDHOOD ABSENCE, SUSCEPTIBILITY TO, 2 (ECA2). Identifiers: Orphanet 64280, MedGen C1843244, OMIM 607681.
Febrile seizures, familial, 8 (FEB8). Also called: CONVULSIONS, FAMILIAL FEBRILE, 8. Identifiers: Orphanet 36387, MedGen C1969810, MONDO:0011891, OMIM 607681.

Submission:

Labcorp Genetics (formerly Invitae), Labcorp
Classification: Pathogenic for Febrile seizures, familial, 8; EPILEPSY, CHILDHOOD ABSENCE, SUSCEPTIBILITY TO, 2. Last evaluated: 2023-03-03. Review status: criteria provided, single submitter. Criteria: Invitae Variant Classification Sherloc (09022015). Collection method: clinical testing. Allele origin: germline.
Comment: For these reasons, this variant has been classified as Pathogenic. This variant disrupts a region of the GABRG2 protein in which other variant(s) (p.Arg363Glyfs*29) have been determined to be pathogenic (Invitae). This suggests that this is a clinically significant region of the protein, and that variants that disrupt it are likely to be disease-causing. This variant has not been reported in the literature in individuals affected with GABRG2-related conditions. This variant is a gross deletion of the genomic region encompassing exon(s) 2-9 of the GABRG2 gene, which includes the termination codon. This deletion extends beyond the assayed region for this gene and therefore may encompass additional genes. While this deletion is not anticipated to lead to nonsense mediated decay, it is expected to alter mRNA translation or result in a truncated protein product.